The following is an entry in ClinVar:

NM_000377.3(WAS):c.383T>G (p.Phe128Cys)

Gene: WAS (WASP actin nucleation promoting factor; plus strand). Cytogenetic location: Xp11.23.
Variant type: single nucleotide variant.
Coding change: c.383T>G on transcript NM_000377.3 (MANE Select); coding-DNA position 383, T replaced by G.
Protein change: p.Phe128Cys; replaces phenylalanine 128 with cysteine.
Molecular consequence: missense variant.
Genome position (GRCh38, 1-based): chrX:48,685,756, T>G. VCF-style: chrX-48685756-T-G. GRCh37 (hg19) VCF-style: chrX-48544145-T-G.
Other names: short protein forms F128C.
Identifiers: ClinVar variation 2026799 (VCV002026799.4), dbSNP rs2519280746, ClinGen allele CA412867482.

ClinVar aggregate classification (germline): Likely pathogenic (1 of 4 stars; one submission).

Conditions:
X-linked severe congenital neutropenia (SCNX). Identifiers: Orphanet 86788, MedGen C1845987, MONDO:0010294, OMIM 300299.
Thrombocytopenia 1. Also called: X-Linked Thrombocytopenia (XLT); X-linked thrombocytopenia with normal platelets; THROMBOCYTOPENIA, X-LINKED, 1. Identifiers: Orphanet 268322, Orphanet 852, MedGen C1839163, MONDO:0010743, OMIM 313900.
Wiskott-Aldrich syndrome (WAS). Also called: ALDRICH SYNDROME; IMMUNODEFICIENCY 2; WISKOTT-ALDRICH SYNDROME 1; Wiskott-aldrich syndrome, somatic. Identifiers: Orphanet 906, MedGen C0043194, MONDO:0010518, OMIM 301000.

Submission:

Labcorp Genetics (formerly Invitae), Labcorp
Classification: Likely pathogenic for Wiskott-Aldrich syndrome; X-linked severe congenital neutropenia; Thrombocytopenia 1. Last evaluated: 2022-11-29. Review status: criteria provided, single submitter. Criteria: Invitae Variant Classification Sherloc (09022015). Collection method: clinical testing. Allele origin: germline.
Comment: This variant has not been reported in the literature in individuals affected with WAS-related conditions. Advanced modeling of protein sequence and biophysical properties (such as structural, functional, and spatial information, amino acid conservation, physicochemical variation, residue mobility, and thermodynamic stability) performed at Invitae indicates that this missense variant is expected to disrupt WAS protein function. Algorithms developed to predict the effect of sequence changes on RNA splicing suggest that this variant may disrupt the consensus splice site. This variant disrupts the p.Phe128 amino acid residue in WAS. Other variant(s) that disrupt this residue have been determined to be pathogenic (PMID: 8931701, 15284122, 19817875). This suggests that this residue is clinically significant, and that variants that disrupt this residue are likely to be disease-causing. In summary, the currently available evidence indicates that the variant is pathogenic, but additional data are needed to prove that conclusively. Therefore, this variant has been classified as Likely Pathogenic. This variant is not present in population databases (gnomAD no frequency). This sequence change replaces phenylalanine, which is neutral and non-polar, with cysteine, which is neutral and slightly polar, at codon 128 of the WAS protein (p.Phe128Cys).

Literature cited by the submitters: PubMed 8931701; PubMed 15284122; PubMed 19817875.